The following is an entry in ClinVar:

ClinVar aggregate classification (germline): Likely pathogenic (1 of 4 stars; one submission).

Conditions:
PKD1-related disorder. Also called: PKD1-related condition.

Submission:

PreventionGenetics, part of Exact Sciences
Classification: Likely pathogenic for PKD1-related condition. Last evaluated: 2025-09-29. Review status: criteria provided, single submitter. Criteria: ACMG Guidelines, 2015. Collection method: clinical testing. Allele origin: germline.
Comment: The PKD1 c.11493_11498dup6 variant is predicted to result in an in-frame duplication (p.Asp3832_Arg3833dup). This variant was reported in an individual with autosomal dominant polycystic kidney disease (ADPKD) (Supplemental Table 2, Heyer et al. 2016. PubMed ID: 26823553). In addition, this variant has been found in two siblings tested for ADPKD at PreventionGenetics (internal data). This variant has not been reported in a large population database (gnomAD), indicating this variant is rare. Of note, a similar small in-frame duplication which partially overlaps with c.11493_11498dup (p.Asp3832_Arg3833dup), defined as c.11498_11512dup (p.Arg3833_Leu3837dup), was reported in an individual with ADPKD (Table S1, Yan et al. 2022. PubMed ID: 36186434). Small in-frame deletions and duplications/insertions have been commonly reported to be pathogenic for ADPKD (see for example, a nearby insertion c.11490_11491insGACCGC, p.Ser3830_Arg3831insAspArg in Thomas et al. 2017. PubMed ID: 27434427). Taken together, the c.11493_11498dup (p.Asp3832_Arg3833dup) variant is interpreted as likely pathogenic.

NM_001009944.3(PKD1):c.11493_11498dup (p.Arg3833_Leu3834insAspArg)

Genes: PKD1 (polycystin 1, transient receptor potential channel interacting; minus strand), PKD1-AS1 (PKD1 antisense RNA 1; plus strand). Cytogenetic location: 16p13.3.
Variant type: Duplication.
Coding change: c.11493_11498dup on transcript NM_001009944.3 (MANE Select); coding-DNA positions 11493 to 11498, 6 bases duplicated (CGACCG; older notation c.11493_11498dupCGACCG).
Protein change: p.Arg3833_Leu3834insAspArg.
Molecular consequence: inframe insertion. On other transcripts: inframe indel (1).
Genome position (GRCh38, 1-based): chr16:2,091,820-2,091,825, CGGTCG duplicated on the plus strand (CGACCG on the coding strand, the reverse complement: PKD1 is on the minus strand); duplicating any 6 consecutive bases within chr16:2,091,820-2,091,828 gives the same sequence; the c. name uses the placement nearest the transcript's 3' end. VCF-style (leftmost placement, unchanged base first): chr16-2091819-C-CCGGTCG. GRCh37 (hg19) VCF-style: chr16-2141820-C-CCGGTCG.
Other names: c.11493_11498dup6 (NM_001009944.2); c.11490_11495dup, p.Arg3832_Leu3833insAspArg (NM_000296.4).
Identifiers: ClinVar variation 4979506 (VCV004979506.1).